The following is an entry in ClinVar:

ClinVar aggregate classification (germline): Benign. Review status: criteria provided, multiple submitters, no conflicts (2 of 4 stars). 4 submissions from 4 submitters: Benign (3). 1 of the submissions does not count toward it. Last evaluated 2026-07-01.

Conditions:
NUP85-related disorder. Also called: NUP85-related condition.

Allele frequency attached by ClinVar (database versions not stated): gnomAD 0.00045 and 0.00001; gnomAD exomes 0.00082 and 0.00185; TOPMed 0.00006; ExAC 0.00218; 1000 Genomes Project 0.00379; 1000 Genomes Project 30x 0.00390.
gnomAD v4.1: 1,275 of 1,614,174 alleles (0.079%); highest among the groups gnomAD compares: South Asian, 1.3%; 18 homozygotes.

Submissions (4):

CeGaT Center for Human Genetics Tuebingen
Classification: Benign. Last evaluated: 2026-07-01. Review status: criteria provided, single submitter. Criteria: CeGaT Center For Human Genetics Tuebingen Variant Classification Criteria Version 2. Collection method: clinical testing. Allele origin: germline. Affected: yes. Observed: 1 variant allele.
Comment: NUP85: BP4, BS1, BS2

Labcorp Genetics (formerly Invitae), Labcorp
Classification: Benign. Last evaluated: 2025-11-19. Review status: criteria provided, single submitter. Criteria: Invitae Variant Classification Sherloc (09022015). Collection method: clinical testing. Allele origin: germline.

Breakthrough Genomics
Classification: Benign. Review status: criteria provided, single submitter. Criteria: ACMG Guidelines, 2015. Collection method: not provided. Allele origin: germline. Inheritance: Autosomal recessive inheritance. Affected: yes.

PreventionGenetics, part of Exact Sciences
Classification: Benign for NUP85-related condition. Last evaluated: 2019-04-15. Review status: no assertion criteria provided. Collection method: clinical testing. Allele origin: germline. Not counted in ClinVar's aggregate classification.
Comment: This variant is classified as benign based on ACMG/AMP sequence variant interpretation guidelines (Richards et al. 2015 PMID: 25741868, with internal and published modifications).

NM_024844.5(NUP85):c.1663G>A (p.Asp555Asn)

Gene: NUP85 (nucleoporin 85; plus strand). Cytogenetic location: 17q25.1.
Variant type: single nucleotide variant.
Coding change: c.1663G>A on transcript NM_024844.5 (MANE Select); coding-DNA position 1663, G replaced by A.
Protein change: p.Asp555Asn; replaces aspartic acid 555 with asparagine.
Molecular consequence: missense variant.
Genome position (GRCh38, 1-based): chr17:75,234,684, G>A. VCF-style: chr17-75234684-G-A. GRCh37 (hg19) VCF-style: chr17-73230779-G-A.
Other names: c.1663G>A (NM_024844.4); c.1525G>A, p.Asp509Asn (NM_001303276.2); c.1528G>A, p.Asp510Asn (NM_001330472.2); short protein forms D509N, D510N, D555N.
Identifiers: ClinVar variation 1643795 (VCV001643795.12), dbSNP rs199756304, ClinGen allele CA8758959.